The following is an entry in ClinVar:

ClinVar aggregate classification (germline): Uncertain significance. Review status: criteria provided, multiple submitters, no conflicts (2 of 4 stars). 3 submissions from 3 submitters: Uncertain significance (2). 1 of the submissions does not count toward it. Last evaluated 2026-10-06.

Conditions:
Immunodeficiency 14 (IMD14A). Also called: p110-DELTA-ACTIVATING MUTATION CAUSING SENESCENT T CELLS, LYMPHADENOPATHY, AND IMMUNODEFICIENCY; IMMUNODEFICIENCY 14A WITH LYMPHOPROLIFERATION, AUTOSOMAL DOMINANT; ACTIVATED PI3K-DELTA SYNDROME 1; Activated PI3K Delta Syndrome Type 1 (APDS1). Identifiers: Orphanet 397596, Orphanet 693661, MedGen C5907821, MONDO:0014222, OMIM 615513.
Activated PI3K-delta syndrome. Identifiers: Orphanet 397596, MedGen C3714976, MONDO:0018338.

Allele frequency attached by ClinVar (database versions not stated): gnomAD exomes below 0.00001; TOPMed below 0.00001.

Submissions (3):

GeneDx
Classification: Uncertain significance. Last evaluated: 2026-10-06. Review status: criteria provided, single submitter. Criteria: GeneDx Variant Classification Process June 2021. Collection method: clinical testing. Allele origin: germline.
Comment: Not observed at significant frequency in large population cohorts (gnomAD); In silico analysis supports that this missense variant has a deleterious effect on protein structure/function; Has not been previously published in an individual with PIK3CD-related disease as pathogenic or benign to our knowledge; This variant is associated with the following publications: (PMID: 34903660)

Labcorp Genetics (formerly Invitae), Labcorp
Classification: Uncertain significance for Activated PI3K-delta syndrome. Last evaluated: 2022-11-05. Review status: criteria provided, single submitter. Criteria: Invitae Variant Classification Sherloc (09022015). Collection method: clinical testing. Allele origin: germline.
Comment: In summary, the available evidence is currently insufficient to determine the role of this variant in disease. Therefore, it has been classified as a Variant of Uncertain Significance. Advanced modeling of protein sequence and biophysical properties (such as structural, functional, and spatial information, amino acid conservation, physicochemical variation, residue mobility, and thermodynamic stability) performed at Invitae indicates that this missense variant is expected to disrupt PIK3CD protein function. This variant has not been reported in the literature in individuals affected with PIK3CD-related conditions. This variant is not present in population databases (gnomAD no frequency). This sequence change replaces phenylalanine, which is neutral and non-polar, with leucine, which is neutral and non-polar, at codon 1019 of the PIK3CD protein (p.Phe1019Leu).

Rarefied Biosciences Lab
Classification: Likely benign for Activated PI3K-delta syndrome. Review status: no assertion criteria provided. Collection method: research. Allele origin: germline, not applicable. Affected: yes. Not counted in ClinVar's aggregate classification.
Comment: The following variant p.Phe1019Leu is likely benign due to experimental evidence showing no abnormal function of of TFH, mTOR, and transitional B cells which are hallmarks of affected patients.

Literature cited by the submitters: PubMed 31031754 (cited by Rarefied Biosciences Lab).

NM_005026.5(PIK3CD):c.3057T>A (p.Phe1019Leu)

Gene: PIK3CD (phosphatidylinositol-4,5-bisphosphate 3-kinase catalytic subunit delta; plus strand). Cytogenetic location: 1p36.22.
Variant type: single nucleotide variant.
Coding change: c.3057T>A on transcript NM_005026.5 (MANE Select); coding-DNA position 3057, T replaced by A.
Protein change: p.Phe1019Leu; replaces phenylalanine 1019 with leucine.
Molecular consequence: missense variant.
Genome position (GRCh38, 1-based): chr1:9,726,968, T>A. VCF-style: chr1-9726968-T-A. GRCh37 (hg19) VCF-style: chr1-9787026-T-A.
Other names: c.3054T>A, p.Phe1018Leu (NM_001350234.2); c.2970T>A, p.Phe990Leu (NM_001350235.1); short protein forms F1018L, F1019L, F990L.
Identifiers: ClinVar variation 2572869 (VCV002572869.6), dbSNP rs1293688309, ClinGen allele CA338308833.